The following is an entry in ClinVar:

ClinVar aggregate classification (germline): Benign (1 of 4 stars; one submission).

Allele frequency attached by ClinVar (database versions not stated): 1000 Genomes Project 30x 0.00062; gnomAD 0.00071; gnomAD exomes 0.00094; ExAC 0.00118.
gnomAD v4.1: 1,455 of 1,612,552 alleles (0.09%); highest among the groups gnomAD compares: Non-Finnish European, 0.092%; 5 homozygotes.

Submission:

CeGaT Center for Human Genetics Tuebingen
Classification: Benign. Last evaluated: 2022-10-01. Review status: criteria provided, single submitter. Criteria: CeGaT Center For Human Genetics Tuebingen Variant Classification Criteria Version 2. Collection method: clinical testing. Allele origin: germline. Affected: yes. Observed: 1 variant allele.
Comment: AHNAK2: BS1, BS2

NM_138420.4(AHNAK2):c.8604C>T (p.Ala2868=)

Gene: AHNAK2 (AHNAK nucleoprotein 2; minus strand). Cytogenetic location: 14q32.33.
Variant type: single nucleotide variant.
Coding change: c.8604C>T on transcript NM_138420.4 (MANE Select); coding-DNA position 8604, C replaced by T.
Protein change: p.Ala2868=; no amino-acid change (alanine 2868 retained).
Molecular consequence: synonymous variant.
Genome position (GRCh38, 1-based): chr14:104,946,847, G>A on the plus strand (C>T on the coding strand, the complement: AHNAK2 is on the minus strand). VCF-style: chr14-104946847-G-A. GRCh37 (hg19) VCF-style: chr14-105413184-G-A.
Other names: c.8304C>T, p.Ala2768= (NM_001350929.2).
Identifiers: ClinVar variation 2644695 (VCV002644695.24), dbSNP rs752497733, ClinGen allele CA7379999.